The following is an entry in ClinVar:

ClinVar aggregate classification (germline): Conflicting classifications of pathogenicity. Review status: criteria provided, conflicting classifications (1 of 4 stars). 2 submissions from 2 submitters: Uncertain significance (1); Likely benign (1). Last evaluated 2022-09-24.

Conditions:
Microphthalmia with brain and digit anomalies (MCOPS6). Also called: Microphthalmia, syndromic 6; MICROPHTHALMIA AND PITUITARY ANOMALIES. Identifiers: Orphanet 139471, MedGen C1864689, MONDO:0011936, OMIM 607932.
Orofacial cleft 11 (OFC11). Also called: CLEFT LIP WITH OR WITHOUT CLEFT PALATE, NONSYNDROMIC, 11; Orofacial cleft 11; ofc11. Identifiers: MedGen C2677434, MONDO:0010906, OMIM 600625.

Allele frequency attached by ClinVar (database versions not stated): gnomAD exomes below 0.00001; gnomAD 0.00001; TOPMed 0.00002.
gnomAD v4.1: 4 of 1,599,714 alleles (0.00025%); highest among the groups gnomAD compares: African/African-American, 0.0053%; no homozygotes.

Submissions (2):

Labcorp Genetics (formerly Invitae), Labcorp
Classification: Likely benign for Microphthalmia with brain and digit anomalies; Orofacial cleft 11. Last evaluated: 2022-09-24. Review status: criteria provided, single submitter. Criteria: Invitae Variant Classification Sherloc (09022015). Collection method: clinical testing. Allele origin: germline.

GeneDx
Classification: Uncertain significance. Last evaluated: 2020-01-13. Review status: criteria provided, single submitter. Criteria: GeneDx Variant Classification Process June 2021. Collection method: clinical testing. Allele origin: germline. Affected: yes.
Comment: Not observed in large population cohorts (Lek et al., 2016); In silico analysis, which includes splice predictors and evolutionary conservation, suggests this variant may impact gene splicing. In the absence of RNA/functional studies, the actual effect of this sequence change is unknown.; Has not been previously published as pathogenic or benign to our knowledge

NM_001202.6(BMP4):c.351G>A (p.Val117=)

Gene: BMP4 (bone morphogenetic protein 4; minus strand). Cytogenetic location: 14q22.2.
Variant type: single nucleotide variant.
Coding change: c.351G>A on transcript NM_001202.6 (MANE Select); coding-DNA position 351, G replaced by A.
Protein change: p.Val117=; no amino-acid change (valine 117 retained).
Molecular consequence: synonymous variant.
Genome position (GRCh38, 1-based): chr14:53,951,872, C>T on the plus strand (G>A on the coding strand, the complement: BMP4 is on the minus strand). VCF-style: chr14-53951872-C-T. GRCh37 (hg19) VCF-style: chr14-54418590-C-T.
Other names: c.492G>A, p.Val164= (NM_001347912.1); c.162G>A, p.Val54= (NM_001347913.2, NM_001347915.2, NM_001347917.1); c.351G>A, p.Val117= (NM_001347914.2, NM_001347916.1, NM_130850.5 and 1 more transcripts).
Identifiers: ClinVar variation 1311100 (VCV001311100.6), dbSNP rs967937256, ClinGen allele CA261472776.